The following is an entry in ClinVar:

ClinVar aggregate classification (germline): Benign/Likely benign. Review status: criteria provided, multiple submitters, no conflicts (2 of 4 stars). 4 submissions from 4 submitters: Benign (3); Likely benign (1). Last evaluated 2026-09-01.

Conditions:
Osteogenesis imperfecta type 13. Also called: OI, TYPE XIII; Osteogenesis imperfecta, type xiii. Identifiers: Orphanet 666, MedGen C3553887, MONDO:0013924, OMIM 614856.

Allele frequency attached by ClinVar (database versions not stated): 1000 Genomes Project 30x 0.00484; 1000 Genomes Project 0.00499; ESP Exome Variant Server 0.00551; gnomAD exomes 0.00730; TOPMed 0.00785; gnomAD 0.00800 and 0.00814; ExAC 0.01854.
gnomAD v4.1: 17,239 of 1,446,040 alleles (1.2%); highest among the groups gnomAD compares: Non-Finnish European, 1.4%; 139 homozygotes.

Submissions (4):

CeGaT Center for Human Genetics Tuebingen
Classification: Benign. Last evaluated: 2026-09-01. Review status: criteria provided, single submitter. Criteria: CeGaT Center For Human Genetics Tuebingen Variant Classification Criteria Version 2. Collection method: clinical testing. Allele origin: germline. Affected: yes. Observed: 5 variant alleles.
Comment: BMP1: BS1, BS2

Illumina Laboratory Services, Illumina
Classification: Benign for Osteogenesis imperfecta type 13. Last evaluated: 2018-01-13. Review status: criteria provided, single submitter. Criteria: ICSL Variant Classification Criteria 13 December 2019. Collection method: clinical testing. Allele origin: germline.
Comment: This variant was observed in the ICSL laboratory as part of a predisposition screen in an ostensibly healthy population. It had not been previously curated by ICSL or reported in the Human Gene Mutation Database (HGMD: prior to June 1st, 2018), and was therefore a candidate for classification through an automated scoring system. Utilizing variant allele frequency, disease prevalence and penetrance estimates, and inheritance mode, an automated score was calculated to assess if this variant is too frequent to cause the disease. Based on the score and internal cut-off values, a variant classified as benign is not then subjected to further curation. The score for this variant resulted in a classification of benign for this disease.

GeneDx
Classification: Benign. Last evaluated: 2017-12-01. Review status: criteria provided, single submitter. Criteria: GeneDx Variant Classification (06012015). Collection method: clinical testing. Allele origin: germline. Affected: yes.
Comment: This variant is considered likely benign or benign based on one or more of the following criteria: it is a conservative change, it occurs at a poorly conserved position in the protein, it is predicted to be benign by multiple in silico algorithms, and/or has population frequency not consistent with disease.

Breakthrough Genomics
Classification: Likely benign. Review status: criteria provided, single submitter. Criteria: ACMG Guidelines, 2015. Collection method: not provided. Allele origin: germline. Inheritance: Autosomal recessive inheritance. Affected: yes.

NM_006129.5(BMP1):c.-15C>G

Genes: BMP1 (bone morphogenetic protein 1; plus strand), LOC129999976 (ATAC-STARR-seq lymphoblastoid silent region 18982; plus strand). Cytogenetic location: 8p21.3.
Variant type: single nucleotide variant.
Coding change: c.-15C>G on transcript NM_006129.5 (MANE Select); 15 bases upstream of the start codon, C replaced by G.
Molecular consequence: 5 prime UTR variant. On other transcripts: non-coding transcript variant (2).
Genome position (GRCh38, 1-based): chr8:22,165,391, C>G. VCF-style: chr8-22165391-C-G. GRCh37 (hg19) VCF-style: chr8-22022904-C-G.
Other names: c.-15C>G (NM_001199.4).
Identifiers: ClinVar variation 362575 (VCV000362575.12), dbSNP rs373839736, ClinGen allele CA4664119.
Genomic context (GRCh38, chr8:22,165,391, plus strand): 5'-GAGCAAGCAAGCGGGCGAGAGGACGCCCTCCCCTGGCCTCCAGTGCGCCGCTTCCCTCGC[C>G]GCCGCCCCGCCAGCATGCCCGGCGTGGCCCGCCTGCCGCTGCTGCTCGGGCTGCTGCTGC-3'